The following is an entry in ClinVar:

ClinVar aggregate classification (germline): Benign. Review status: criteria provided, multiple submitters, no conflicts (2 of 4 stars). 3 submissions from 3 submitters: Benign (3). Last evaluated 2021-06-09.

Allele frequency attached by ClinVar (database versions not stated): 1000 Genomes Project 0.41054; gnomAD 0.41256; 1000 Genomes Project 30x 0.45565.
gnomAD v4.1: 616,783 of 1,601,592 alleles (39%); highest among the groups gnomAD compares: East Asian, 66%; 69,187 homozygotes.

Submissions (3):

GeneDx
Classification: Benign. Last evaluated: 2021-06-09. Review status: criteria provided, single submitter. Criteria: GeneDx Variant Classification Process June 2021. Collection method: clinical testing. Allele origin: germline. Affected: yes.

Laboratory for Molecular Medicine, Mass General Brigham Personalized Medicine
Classification: Benign. Last evaluated: 2016-03-28. Review status: criteria provided, single submitter. Criteria: LMM Criteria. Collection method: clinical testing. Allele origin: germline.
Comment: Variant identified in a genome or exome case(s) and assessed due to predicted null impact of the variant or pathogenic assertions in the literature or databases. Disclaimer: This variant has not undergone full assessment. The following are preliminary notes: Gene associated with pulmonary fibrosis

Breakthrough Genomics
Classification: Benign. Review status: criteria provided, single submitter. Criteria: ACMG Guidelines, 2015. Collection method: not provided. Allele origin: germline. Inheritance: Autosomal dominant inheritance. Affected: yes.

NM_002458.3(MUC5B):c.7676C>T (p.Thr2559Met)

Genes: MUC5B (mucin 5B, oligomeric mucus/gel-forming; plus strand), MUC5B-AS1 (MUC5B antisense RNA 1; minus strand). Cytogenetic location: 11p15.5.
Variant type: single nucleotide variant.
Coding change: c.7676C>T on transcript NM_002458.3 (MANE Select); coding-DNA position 7676, C replaced by T.
Protein change: p.Thr2559Met; replaces threonine 2559 with methionine.
Molecular consequence: missense variant.
Genome position (GRCh38, 1-based): chr11:1,244,556, C>T. VCF-style: chr11-1244556-C-T. GRCh37 (hg19) VCF-style: chr11-1265786-C-T.
Other names: short protein forms T2559M.
Identifiers: ClinVar variation 403143 (VCV000403143.6), dbSNP rs60787297, ClinGen allele CA5806382.